The following is an entry in ClinVar:

ClinVar aggregate classification (germline): Benign/Likely benign. Review status: criteria provided, multiple submitters, no conflicts (2 of 4 stars). 31 submissions from 24 submitters: Benign (17); Likely benign (7). 7 of the submissions do not count toward it. Last evaluated 2026-02-04.

Conditions:
Dilated cardiomyopathy 1G (CMD1G). Identifiers: Orphanet 154, MedGen C1858763, MONDO:0011400, OMIM 604145.
Autosomal recessive limb-girdle muscular dystrophy type 2J (LGMDR10). Also called: MUSCULAR DYSTROPHY, LIMB-GIRDLE, AUTOSOMAL RECESSIVE 10; Limb-girdle muscular dystrophy, type 2J. Identifiers: Orphanet 140922, MedGen C1837342, MONDO:0012127, OMIM 608807.
Cardiovascular phenotype. Identifiers: MedGen CN230736.
Cardiomyopathy (CMYO). Also called: Cardiomyopathies. Identifiers: Orphanet 167848, MedGen C0878544, MONDO:0004994, HP:0001638. Inheritance: Various modes of inheritance.
Early-onset myopathy with fatal cardiomyopathy (CMYO5). Also called: CONGENITAL MYOPATHY 5 WITH CARDIOMYOPATHY; Salih Myopathy. Identifiers: Orphanet 289377, MedGen C2673677, MONDO:0012714, OMIM 611705. Disease mechanism: loss of function.
Myopathy, myofibrillar, 9, with early respiratory failure (MFM9). Also called: Myopathy, distal, with early respiratory failure, autosomal dominant; Hereditary myopathy with early respiratory failure; MYOPATHY, PROXIMAL, WITH EARLY RESPIRATORY MUSCLE INVOLVEMENT; EDSTROM MYOPATHY. Identifiers: Orphanet 178464, Orphanet 34521, MedGen C1863599, MONDO:0011362, OMIM 603689.
Tibial muscular dystrophy (TMD). Also called: Udd Distal Myopathy – Tibial Muscular Dystrophy; Tibial muscular dystrophy, tardive; UDD MYOPATHY. Identifiers: Orphanet 609, MedGen C1838244, MONDO:0010870, OMIM 600334.

Allele frequency attached by ClinVar (database versions not stated): 1000 Genomes Project 30x 0.01046; TOPMed 0.00668; ESP Exome Variant Server 0.00577; 1000 Genomes Project 0.01038.
gnomAD v4.1: 15,421 of 1,614,030 alleles (0.96%); highest among the groups gnomAD compares: South Asian, 1.7%; 92 homozygotes.

Submissions 1 to 21 of 31:

Labcorp Genetics (formerly Invitae), Labcorp
Classification: Benign for Dilated cardiomyopathy 1G; Autosomal recessive limb-girdle muscular dystrophy type 2J. Last evaluated: 2026-02-04. Review status: criteria provided, single submitter. Criteria: Invitae Variant Classification Sherloc (09022015). Collection method: clinical testing. Allele origin: germline.

Molecular Diagnostic Laboratory for Inherited Cardiovascular Disease, Montreal Heart Institute
Classification: Likely benign. Last evaluated: 2025-04-09. Review status: criteria provided, single submitter. Criteria: ACMG Guidelines, 2015. Collection method: clinical testing. Allele origin: germline. Affected: no.
Comment: BS1;BP1

Blueprint Genetics
Classification: Likely benign. Last evaluated: 2024-11-25. Review status: criteria provided, single submitter. Criteria: ACMG Guidelines, 2015. Collection method: clinical testing. Allele origin: germline.

ARUP Laboratories, Molecular Genetics and Genomics, ARUP Laboratories
Classification: Benign. Last evaluated: 2024-11-06. Review status: criteria provided, single submitter. Criteria: ARUP Molecular Germline Variant Investigation Process 2024. Collection method: clinical testing. Allele origin: germline.

Athena Diagnostics
Classification: Benign. Last evaluated: 2024-03-19. Review status: criteria provided, single submitter. Criteria: Athena Diagnostics Criteria. Collection method: clinical testing. Allele origin: unknown.

Mayo Clinic Laboratories, Mayo Clinic
Classification: Benign. Last evaluated: 2024-01-03. Review status: criteria provided, single submitter. Criteria: ACMG Guidelines, 2015. Collection method: clinical testing. Allele origin: germline. Observed: 33 variant alleles.

CeGaT Center for Human Genetics Tuebingen
Classification: Benign. Last evaluated: 2022-12-01. Review status: criteria provided, single submitter. Criteria: CeGaT Center For Human Genetics Tuebingen Variant Classification Criteria Version 2. Collection method: clinical testing. Allele origin: germline. Affected: yes. Observed: 11 variant alleles.
Comment: TTN: BS1, BS2

Genome-Nilou Lab
Classification: Benign for Autosomal recessive limb-girdle muscular dystrophy type 2J. Last evaluated: 2021-09-10. Review status: criteria provided, single submitter. Criteria: ACMG Guidelines, 2015. Collection method: clinical testing. Allele origin: germline. Affected: no.

Genome-Nilou Lab
Classification: Benign for Myopathy, myofibrillar, 9, with early respiratory failure. Last evaluated: 2021-09-10. Review status: criteria provided, single submitter. Criteria: ACMG Guidelines, 2015. Collection method: clinical testing. Allele origin: germline. Affected: no.

Genome-Nilou Lab
Classification: Benign for Early-onset myopathy with fatal cardiomyopathy. Last evaluated: 2021-09-10. Review status: criteria provided, single submitter. Criteria: ACMG Guidelines, 2015. Collection method: clinical testing. Allele origin: germline. Affected: no.

Genome-Nilou Lab
Classification: Benign for Tibial muscular dystrophy. Last evaluated: 2021-09-10. Review status: criteria provided, single submitter. Criteria: ACMG Guidelines, 2015. Collection method: clinical testing. Allele origin: germline. Affected: no.

Women's Health and Genetics/Laboratory Corporation of America, LabCorp
Classification: Likely benign. Last evaluated: 2021-07-27. Review status: criteria provided, single submitter. Criteria: LabCorp Variant Classification Summary - May 2015. Collection method: clinical testing. Allele origin: germline.

Illumina Laboratory Services, Illumina
Classification: Benign for Tibial muscular dystrophy. Last evaluated: 2018-01-13. Review status: criteria provided, single submitter. Criteria: ICSL Variant Classification Criteria 13 December 2019. Collection method: clinical testing. Allele origin: germline.
Comment: This variant was observed in the ICSL laboratory as part of a predisposition screen in an ostensibly healthy population. It had not been previously curated by ICSL or reported in the Human Gene Mutation Database (HGMD: prior to June 1st, 2018), and was therefore a candidate for classification through an automated scoring system. Utilizing variant allele frequency, disease prevalence and penetrance estimates, and inheritance mode, an automated score was calculated to assess if this variant is too frequent to cause the disease. Based on the score and internal cut-off values, a variant classified as benign is not then subjected to further curation. The score for this variant resulted in a classification of benign for this disease.

Illumina Laboratory Services, Illumina
Classification: Benign for Myopathy, myofibrillar, 9, with early respiratory failure. Last evaluated: 2018-01-13. Review status: criteria provided, single submitter. Criteria: ICSL Variant Classification Criteria 13 December 2019. Collection method: clinical testing. Allele origin: germline.
Comment: the same text as in the submission from Illumina Laboratory Services, Illumina above.

Illumina Laboratory Services, Illumina
Classification: Likely benign for Dilated cardiomyopathy 1G. Last evaluated: 2018-01-13. Review status: criteria provided, single submitter. Criteria: ICSL Variant Classification Criteria 13 December 2019. Collection method: clinical testing. Allele origin: germline.
Comment: This variant was observed in the ICSL laboratory as part of a predisposition screen in an ostensibly healthy population. It had not been previously curated by ICSL or reported in the Human Gene Mutation Database (HGMD: prior to June 1st, 2018), and was therefore a candidate for classification through an automated scoring system. Utilizing variant allele frequency, disease prevalence and penetrance estimates, and inheritance mode, an automated score was calculated to assess if this variant is too frequent to cause the disease. Based on the score and internal cut-off values, a variant classified as likely benign is not then subjected to further curation. The score for this variant resulted in a classification of likely benign for this disease.

Illumina Laboratory Services, Illumina
Classification: Likely benign for Autosomal recessive limb-girdle muscular dystrophy type 2J. Last evaluated: 2018-01-13. Review status: criteria provided, single submitter. Criteria: ICSL Variant Classification Criteria 13 December 2019. Collection method: clinical testing. Allele origin: germline.
Comment: the same text as in the submission from Illumina Laboratory Services, Illumina above.

Illumina Laboratory Services, Illumina
Classification: Likely benign for Early-onset myopathy with fatal cardiomyopathy. Last evaluated: 2018-01-13. Review status: criteria provided, single submitter. Criteria: ICSL Variant Classification Criteria 13 December 2019. Collection method: clinical testing. Allele origin: germline.
Comment: the same text as in the submission from Illumina Laboratory Services, Illumina above.

CHEO Genetics Diagnostic Laboratory, Children's Hospital of Eastern Ontario
Classification: Benign for Cardiomyopathy. Last evaluated: 2017-08-03. Review status: criteria provided, single submitter. Criteria: ACMG Guidelines, 2015. Collection method: clinical testing. Allele origin: germline. Study: Canadian Open Genetics Repository.

Eurofins Ntd Llc (ga)
Classification: Benign. Last evaluated: 2015-08-05. Review status: criteria provided, single submitter. Criteria: EGL Classification Definitions 2015. Collection method: clinical testing. Allele origin: germline. Observed: 1 variant allele, 1 heterozygote.

Ambry Genetics
Classification: Benign for Cardiovascular phenotype. Last evaluated: 2013-10-12. Review status: criteria provided, single submitter. Criteria: Ambry Autosomal Dominant and X-Linked criteria (10/2015). Collection method: clinical testing. Allele origin: germline. Observed: 1 variant allele.

GeneDx
Classification: Benign. Last evaluated: 2013-07-11. Review status: criteria provided, single submitter. Criteria: GeneDx Variant Classification (06012015). Collection method: clinical testing. Allele origin: germline. Affected: yes.
Comment: This variant is considered likely benign or benign based on one or more of the following criteria: it is a conservative change, it occurs at a poorly conserved position in the protein, it is predicted to be benign by multiple in silico algorithms, and/or has population frequency not consistent with disease.

NM_001267550.2(TTN):c.4322G>C (p.Arg1441Pro)

Genes: TTN (titin; minus strand), LOC101927055 (uncharacterized LOC101927055; plus strand). Cytogenetic location: 2q31.2.
Variant type: single nucleotide variant.
Coding change: c.4322G>C on transcript NM_001267550.2 (MANE Select); coding-DNA position 4322, G replaced by C.
Protein change: p.Arg1441Pro; replaces arginine 1441 with proline.
Molecular consequence: missense variant. On other transcripts: non-coding transcript variant (1).
Genome position (GRCh38, 1-based): chr2:178,777,862, C>G on the plus strand (G>C on the coding strand, the complement: TTN is on the minus strand). VCF-style: chr2-178777862-C-G. GRCh37 (hg19) VCF-style: chr2-179642589-C-G.
Other names: p.R1441P:CGT>CCT; c.4322G>C, p.Arg1441Pro (NM_001256850.1, NM_133378.4, NM_133379.5); c.4184G>C, p.Arg1395Pro (NM_003319.4, NM_133432.3, NM_133437.4); short protein forms R1441P, R1395P.
Identifiers: ClinVar variation 47046 (VCV000047046.78), dbSNP rs72647876, ClinGen allele CA283379.
Genomic context (GRCh38, chr2:178,777,862, plus strand): 5'-AACACAAAGACTGGTTTATATAGTCTCTCAAGTTGTGACTCATCTGTCTCCTCCAGCCTA[C>G]GTCCAGGGGACATTCTTGCAGGGGACATCCGTGCAGGAGACATCCTTGCAGGTGACATCC-3'
Protein context (NP_001254479.2, residues 1431-1451): RMSPARMSPG[Arg1441Pro]RLEETDESQL